The following is an entry in ClinVar:

NM_006514.4(SCN10A):c.4164GGA[1] (p.Glu1389del)

Gene: SCN10A (sodium voltage-gated channel alpha subunit 10; minus strand). Cytogenetic location: 3p22.2.
Variant type: Microsatellite.
Coding change: c.4164GGA[1] on transcript NM_006514.4 (MANE Select); one copy of the 3-base unit GGA starting at c.4164; the reference has two copies in a row; one copy, 3 bases deleted.
Protein change: p.Glu1389del; deletes glutamic acid 1389.
Molecular consequence: inframe deletion.
Genome position (GRCh38, 1-based): chr3:38,709,590-38,709,592, TCC deleted on the plus strand (GGA on the coding strand, the reverse complement: SCN10A is on the minus strand); deleting any 3 consecutive bases within chr3:38,709,590-38,709,595 gives the same sequence; the position shown is the placement nearest the transcript's 3' end. VCF-style (leftmost placement, unchanged base first): chr3-38709589-GTCC-G. GRCh37 (hg19) VCF-style: chr3-38751080-GTCC-G.
Other names: c.4161GGA[1], p.Glu1388del (NM_001293306.2); c.3870GGA[1], p.Glu1291del (NM_001293307.2); short protein forms E1291del, E1388del, E1389del.
Identifiers: ClinVar variation 3225657 (VCV003225657.1), dbSNP rs2470591590, ClinGen allele CA2825001236.

ClinVar aggregate classification (germline): Uncertain significance (1 of 4 stars; one submission).

Conditions:
Cardiovascular phenotype. Identifiers: MedGen CN230736.

Submission:

Ambry Genetics
Classification: Uncertain significance for Cardiovascular phenotype. Last evaluated: 2023-09-22. Review status: criteria provided, single submitter. Criteria: Ambry Variant Classification Scheme 2023. Collection method: clinical testing. Allele origin: germline.
Comment: The c.4167_4169delGGA variant (also known as p.E1389del) is located in coding exon 24 of the SCN10A gene. This variant results from an in-frame GGA deletion at nucleotide positions 4167 to 4169. This results in the in-frame deletion of a glutamic acid at codon 1389. This amino acid position is highly conserved in available vertebrate species. In addition, this alteration is predicted to be deleterious by in silico analysis (Choi Y et al. PLoS ONE. 2012; 7(10):e46688). The evidence for this gene-disease relationship is limited; therefore, the clinical significance of this alteration is unclear.